The following is an entry in ClinVar:

ClinVar aggregate classification (germline): Uncertain significance. Review status: criteria provided, multiple submitters, no conflicts (2 of 4 stars). 3 submissions from 3 submitters: Uncertain significance (2). 1 of the submissions does not count toward it. Last evaluated 2024-05-20.

Conditions:
CEP290-related disorder. Also called: CEP290-related condition; CEP290-related disorders. Identifiers: MedGen CN239314.
Joubert syndrome. Also called: CEREBELLOPARENCHYMAL DISORDER IV; JOUBERT-BOLTSHAUSER SYNDROME; Familial aplasia of the vermis. Identifiers: Orphanet 475, MedGen C5979921, MONDO:0018772.
Meckel-Gruber syndrome. Also called: DYSENCEPHALIA SPLANCHNOCYSTICA; GRUBER SYNDROME; Dysencephalia splachnocystica. Identifiers: Orphanet 564, MedGen C0265215, MONDO:0018921.
Nephronophthisis. Also called: Juvenile Nephronophthisis. Identifiers: Orphanet 655, MedGen C0687120, MONDO:0019005, HP:0000090.

Allele frequency attached by ClinVar (database versions not stated): gnomAD 0.00001; gnomAD exomes 0.00003; ExAC 0.00012.
gnomAD v4.1: 39 of 1,554,356 alleles (0.0025%); highest among the groups gnomAD compares: South Asian, 0.045%; no homozygotes.

Submissions (3):

Women's Health and Genetics/Laboratory Corporation of America, LabCorp
Classification: Uncertain significance. Last evaluated: 2024-05-20. Review status: criteria provided, single submitter. Criteria: LabCorp Variant Classification Summary - May 2015. Collection method: clinical testing. Allele origin: germline.

Labcorp Genetics (formerly Invitae), Labcorp
Classification: Uncertain significance for Joubert syndrome; Meckel-Gruber syndrome; Nephronophthisis. Last evaluated: 2022-09-14. Review status: criteria provided, single submitter. Criteria: Invitae Variant Classification Sherloc (09022015). Collection method: clinical testing. Allele origin: germline.
Comment: This sequence change falls in intron 39 of the CEP290 gene. It does not directly change the encoded amino acid sequence of the CEP290 protein. It affects a nucleotide within the consensus splice site. This variant is present in population databases (rs747450920, gnomAD 0.06%). This variant has not been reported in the literature in individuals affected with CEP290-related conditions. Variants that disrupt the consensus splice site are a relatively common cause of aberrant splicing (PMID: 17576681, 9536098). Algorithms developed to predict the effect of sequence changes on RNA splicing suggest that this variant is not likely to affect RNA splicing. In summary, the available evidence is currently insufficient to determine the role of this variant in disease. Therefore, it has been classified as a Variant of Uncertain Significance.

PreventionGenetics, part of Exact Sciences
Classification: Likely benign for CEP290-related condition. Last evaluated: 2021-10-15. Review status: no assertion criteria provided. Collection method: clinical testing. Allele origin: germline. Not counted in ClinVar's aggregate classification.
Comment: This variant is classified as likely benign based on ACMG/AMP sequence variant interpretation guidelines (Richards et al. 2015 PMID: 25741868, with internal and published modifications).

Literature cited by the submitters: PubMed 17576681 (cited by Labcorp Genetics (formerly Invitae), Labcorp); PubMed 9536098 (cited by Labcorp Genetics (formerly Invitae), Labcorp).

NM_025114.4(CEP290):c.5364+3G>A

Gene: CEP290 (centrosomal protein 290; minus strand). Cytogenetic location: 12q21.32.
Variant type: single nucleotide variant.
Coding change: c.5364+3G>A on transcript NM_025114.4 (MANE Select); 3 bases into the intron after coding-DNA position 5364, G replaced by A.
Molecular consequence: intron variant.
Genome position (GRCh38, 1-based): chr12:88,079,089, C>T on the plus strand (G>A on the coding strand, the complement: CEP290 is on the minus strand). VCF-style: chr12-88079089-C-T. GRCh37 (hg19) VCF-style: chr12-88472866-C-T.
Other names: c.5364+3G>A (NM_025114.3).
Identifiers: ClinVar variation 1989767 (VCV001989767.3), dbSNP rs747450920, ClinGen allele CA6711731.